The following is an entry in ClinVar:

NM_017999.5(RNF31):c.2266A>T (p.Thr756Ser)

Gene: RNF31 (ring finger protein 31; plus strand). Cytogenetic location: 14q12.
Variant type: single nucleotide variant.
Coding change: c.2266A>T on transcript NM_017999.5 (MANE Select); coding-DNA position 2266, A replaced by T.
Protein change: p.Thr756Ser; replaces threonine 756 with serine.
Molecular consequence: missense variant.
Genome position (GRCh38, 1-based): chr14:24,155,292, A>T. VCF-style: chr14-24155292-A-T. GRCh37 (hg19) VCF-style: chr14-24624501-A-T.
Other names: c.1813A>T, p.Thr605Ser (NM_001310332.2); short protein forms T756S, T605S.
Identifiers: ClinVar variation 1480976 (VCV001480976.8), dbSNP rs2139087561, ClinGen allele CA389301950.

ClinVar aggregate classification (germline): Uncertain significance (1 of 4 stars; one submission).

Submission:

Labcorp Genetics (formerly Invitae), Labcorp
Classification: Uncertain significance. Last evaluated: 2022-10-17. Review status: criteria provided, single submitter. Criteria: Invitae Variant Classification Sherloc (09022015). Collection method: clinical testing. Allele origin: germline.
Comment: In summary, the available evidence is currently insufficient to determine the role of this variant in disease. Therefore, it has been classified as a Variant of Uncertain Significance. Algorithms developed to predict the effect of missense changes on protein structure and function (SIFT, PolyPhen-2, Align-GVGD) all suggest that this variant is likely to be tolerated. ClinVar contains an entry for this variant (Variation ID: 1480976). This variant has not been reported in the literature in individuals affected with RNF31-related conditions. This variant is not present in population databases (gnomAD no frequency). This sequence change replaces threonine, which is neutral and polar, with serine, which is neutral and polar, at codon 756 of the RNF31 protein (p.Thr756Ser).